The following is an entry in ClinVar:

ClinVar aggregate classification (germline): Likely pathogenic. Review status: criteria provided, single submitter (1 of 4 stars). 2 submissions from 2 submitters: Likely pathogenic (1). 1 of the submissions does not count toward it. Last evaluated 2024-06-07.

Conditions:
Mucopolysaccharidosis, MPS-II (MPS2). Also called: IDS deficiency; Sulfoiduronate sulfatase deficiency; SIDS deficiency; Attenuated MPS (subtype; formerly known as mild MPS II); Severe MPS II; I2S deficiency. Identifiers: Orphanet 580, Orphanet 79388, MedGen C0026705, MONDO:0010674, OMIM 309900.

Submissions (2):

Laboratory of Diagnosis and Therapy of Lysosomal Disorders, University of Padova
Classification: Likely pathogenic for Mucopolysaccharidosis, MPS-II. Last evaluated: 2024-06-07. Review status: criteria provided, single submitter. Criteria: ACMG Guidelines, 2015. Collection method: literature only. Allele origin: germline. Affected: yes. Observed: 1 variant allele.
Comment: Absent from controls (or at low frequency) in gnomAD database (PM2_Moderate), Missense variant in a gene with a low rate of benign missense variation (PP2_Supporting), Multiple lines of computational evidence support a deleterious effect (PP3_Supporting), Patient’s phenotype or family history highly specific for the disease (PP4_Strong)

Classification method: ACMG Guidelines [PMID:25741868] with modifications

Kasturba Medical College, Manipal, Kasturba Medical College, Manipal, Manipal Academy of Higher Education, Manipal, India
Classification: Pathogenic for Mucopolysaccharidosis, MPS-II. Review status: no assertion criteria provided. Collection method: research. Allele origin: maternal. Inheritance: X-linked recessive inheritance. Affected: yes. Not counted in ClinVar's aggregate classification.

Literature cited by the submitters: PubMed 34813777 (cited by Laboratory of Diagnosis and Therapy of Lysosomal Disorders, University of Padova); DOI 10.1186/s12881-020-01051-9 (cited by Kasturba Medical College, Manipal, Kasturba Medical College, Manipal, Manipal Academy of Higher Education, Manipal, India).

NM_000202.8(IDS):c.305T>C (p.Leu102Pro)

Gene: IDS (iduronate 2-sulfatase; minus strand). Cytogenetic location: Xq28.
Variant type: single nucleotide variant.
Coding change: c.305T>C on transcript NM_000202.8 (MANE Select); coding-DNA position 305, T replaced by C.
Protein change: p.Leu102Pro; replaces leucine 102 with proline.
Molecular consequence: missense variant. On other transcripts: non-coding transcript variant (1).
Genome position (GRCh38, 1-based): chrX:149,503,425, A>G on the plus strand (T>C on the coding strand, the complement: IDS is on the minus strand). VCF-style: chrX-149503425-A-G. GRCh37 (hg19) VCF-style: chrX-148584955-A-G.
Other names: c.35T>C, p.Leu12Pro (NM_001166550.4); c.305T>C, p.Leu102Pro (NM_006123.5); short protein forms L102P, L12P.
Identifiers: ClinVar variation 1342151 (VCV001342151.4), dbSNP rs1557340261, ClinGen allele CA414526516.